The following is an entry in ClinVar:

ClinVar aggregate classification (germline): Uncertain significance (1 of 4 stars; one submission).

Allele frequency attached by ClinVar (database versions not stated): gnomAD exomes below 0.00001; TOPMed below 0.00001.

Submission:

Labcorp Genetics (formerly Invitae), Labcorp
Classification: Uncertain significance. Last evaluated: 2022-08-23. Review status: criteria provided, single submitter. Criteria: Invitae Variant Classification Sherloc (09022015). Collection method: clinical testing. Allele origin: germline.
Comment: In summary, the available evidence is currently insufficient to determine the role of this variant in disease. Therefore, it has been classified as a Variant of Uncertain Significance. Algorithms developed to predict the effect of missense changes on protein structure and function are either unavailable or do not agree on the potential impact of this missense change (SIFT: "Deleterious"; PolyPhen-2: "Benign"; Align-GVGD: "Class C0"). ClinVar contains an entry for this variant (Variation ID: 1368461). This variant has not been reported in the literature in individuals affected with FLVCR1-related conditions. This variant is present in population databases (no rsID available, gnomAD 0.003%). This sequence change replaces alanine, which is neutral and non-polar, with threonine, which is neutral and polar, at codon 177 of the FLVCR1 protein (p.Ala177Thr).

NM_014053.4(FLVCR1):c.529G>A (p.Ala177Thr)

Gene: FLVCR1 (FLVCR choline and heme transporter 1; plus strand). Cytogenetic location: 1q32.3.
Variant type: single nucleotide variant.
Coding change: c.529G>A on transcript NM_014053.4 (MANE Select); coding-DNA position 529, G replaced by A.
Protein change: p.Ala177Thr; replaces alanine 177 with threonine.
Molecular consequence: missense variant.
Genome position (GRCh38, 1-based): chr1:212,858,981, G>A. VCF-style: chr1-212858981-G-A. GRCh37 (hg19) VCF-style: chr1-213032323-G-A.
Other names: short protein forms A177T.
Identifiers: ClinVar variation 1368461 (VCV001368461.6), dbSNP rs1260483394, ClinGen allele CA344796749.